The following is an entry in ClinVar:

NM_018063.5(HELLS):c.1565A>G (p.Asp522Gly)

Gene: HELLS (helicase, lymphoid specific; plus strand). Cytogenetic location: 10q23.33.
Variant type: single nucleotide variant.
Coding change: c.1565A>G on transcript NM_018063.5 (MANE Select); coding-DNA position 1565, A replaced by G.
Protein change: p.Asp522Gly; replaces aspartic acid 522 with glycine.
Molecular consequence: missense variant.
Genome position (GRCh38, 1-based): chr10:94,590,489, A>G. VCF-style: chr10-94590489-A-G. GRCh37 (hg19) VCF-style: chr10-96350246-A-G.
Other names: c.1703A>G, p.Asp568Gly (NM_001289067.2); c.1517A>G, p.Asp506Gly (NM_001289068.2); c.1469A>G, p.Asp490Gly (NM_001289069.2); c.1271A>G, p.Asp424Gly (NM_001289070.2); c.1193A>G, p.Asp398Gly (NM_001289071.2); c.1175A>G, p.Asp392Gly (NM_001289072.2); c.1151A>G, p.Asp384Gly (NM_001289073.2); c.482A>G, p.Asp161Gly (NM_001289074.2); and 1 more; short protein forms D384G, D490G, D506G, D568G, D161G, D392G, D424G, D398G.
Identifiers: ClinVar variation 2124311 (VCV002124311.4), dbSNP rs2493270056, ClinGen allele CA377665728.

ClinVar aggregate classification (germline): Uncertain significance (1 of 4 stars; one submission).

Allele frequency attached by ClinVar (database versions not stated): gnomAD exomes below 0.00001.
gnomAD v4.1: 1 of 1,612,750 alleles (0.000062%); highest among the groups gnomAD compares: South Asian, 0.0011%; no homozygotes.

Submission:

Labcorp Genetics (formerly Invitae), Labcorp
Classification: Uncertain significance. Last evaluated: 2022-07-11. Review status: criteria provided, single submitter. Criteria: Invitae Variant Classification Sherloc (09022015). Collection method: clinical testing. Allele origin: germline.
Comment: In summary, the available evidence is currently insufficient to determine the role of this variant in disease. Therefore, it has been classified as a Variant of Uncertain Significance. Algorithms developed to predict the effect of sequence changes on RNA splicing suggest that this variant may create or strengthen a splice site. Algorithms developed to predict the effect of missense changes on protein structure and function output the following: SIFT: "Tolerated"; PolyPhen-2: "Benign"; Align-GVGD: "Class C0". The glycine amino acid residue is found in multiple mammalian species, which suggests that this missense change does not adversely affect protein function. This variant has not been reported in the literature in individuals affected with HELLS-related conditions. This variant is not present in population databases (gnomAD no frequency). This sequence change replaces aspartic acid, which is acidic and polar, with glycine, which is neutral and non-polar, at codon 522 of the HELLS protein (p.Asp522Gly).